The following is an entry in ClinVar:

NM_001127178.3(PIGG):c.154+6G>C

Gene: PIGG (phosphatidylinositol glycan anchor biosynthesis class G (EMM blood group); plus strand). Cytogenetic location: 4p16.3.
Variant type: single nucleotide variant.
Coding change: c.154+6G>C on transcript NM_001127178.3 (MANE Select); 6 bases into the intron after coding-DNA position 154, G replaced by C.
Molecular consequence: intron variant. On other transcripts: 5 prime UTR variant (7), non-coding transcript variant (4).
Genome position (GRCh38, 1-based): chr4:499,495, G>C. VCF-style: chr4-499495-G-C. GRCh37 (hg19) VCF-style: chr4-493284-G-C.
Other names: c.-666G>C (NM_001289053.2); c.-344G>C (NM_001289057.2, NM_001345986.2, NM_001345987.2); c.-964G>C (NM_001345988.2); c.-1564G>C (NM_001345991.2); c.-1289G>C (NM_001345994.2); c.-1472+6G>C (NM_001345990.2); c.154+6G>C (NM_017733.5, NM_001289052.2, NM_001345989.2); c.-114+197G>C (NM_001289051.2); and 1 more.
Identifiers: ClinVar variation 1507451 (VCV001507451.6), dbSNP rs1716739603, ClinGen allele CA2573137538.

ClinVar aggregate classification (germline): Uncertain significance (1 of 4 stars; one submission).

Conditions:
Intellectual disability, autosomal recessive 53 (NEDHSCA). Also called: GLYCOSYLPHOSPHATIDYLINOSITOL BIOSYNTHESIS DEFECT 13; Mental retardation, autosomal recessive 53; NEURODEVELOPMENTAL DISORDER WITH OR WITHOUT HYPOTONIA, SEIZURES, AND CEREBELLAR ATROPHY. Identifiers: Orphanet 488635, MedGen C4310794, MONDO:0014832, OMIM 616917.

Submission:

Labcorp Genetics (formerly Invitae), Labcorp
Classification: Uncertain significance for Intellectual disability, autosomal recessive 53. Last evaluated: 2022-06-13. Review status: criteria provided, single submitter. Criteria: Invitae Variant Classification Sherloc (09022015). Collection method: clinical testing. Allele origin: germline.
Comment: This sequence change falls in intron 1 of the PIGG gene. It does not directly change the encoded amino acid sequence of the PIGG protein. It affects a nucleotide within the consensus splice site. This variant is not present in population databases (gnomAD no frequency). In summary, the available evidence is currently insufficient to determine the role of this variant in disease. Therefore, it has been classified as a Variant of Uncertain Significance. Variants that disrupt the consensus splice site are a relatively common cause of aberrant splicing (PMID: 17576681, 9536098). Algorithms developed to predict the effect of sequence changes on RNA splicing suggest that this variant is not likely to affect RNA splicing. This variant has not been reported in the literature in individuals affected with PIGG-related conditions.

Literature cited by the submitters: PubMed 17576681; PubMed 9536098.